The following is an entry in ClinVar:

ClinVar aggregate classification (germline): Uncertain significance (1 of 4 stars; one submission).

Conditions:
Rubinstein-Taybi syndrome due to EP300 haploinsufficiency. Also called: RUBINSTEIN-TAYBI SYNDROME 2; EP300-Related Rubinstein-Taybi Syndrome. Identifiers: Orphanet 353284, Orphanet 783, MedGen C3150941, MONDO:0013364, OMIM 613684.

Submission:

Labcorp Genetics (formerly Invitae), Labcorp
Classification: Uncertain significance for Rubinstein-Taybi syndrome due to EP300 haploinsufficiency. Last evaluated: 2025-09-02. Review status: criteria provided, single submitter. Criteria: Invitae Variant Classification Sherloc (09022015). Collection method: clinical testing. Allele origin: germline.
Comment: This sequence change replaces threonine, which is neutral and polar, with serine, which is neutral and polar, at codon 558 of the EP300 protein (p.Thr558Ser). This variant is not present in population databases (gnomAD no frequency). This variant has not been reported in the literature in individuals affected with EP300-related conditions. ClinVar contains an entry for this variant (Variation ID: 1351503). Invitae Evidence Modeling of protein sequence and biophysical properties (such as structural, functional, and spatial information, amino acid conservation, physicochemical variation, residue mobility, and thermodynamic stability) indicates that this missense variant is not expected to disrupt EP300 protein function with a negative predictive value of 80%. In summary, the available evidence is currently insufficient to determine the role of this variant in disease. Therefore, it has been classified as a Variant of Uncertain Significance.

NM_001429.4(EP300):c.1672A>T (p.Thr558Ser)

Gene: EP300 (EP300 lysine acetyltransferase; plus strand). Cytogenetic location: 22q13.2.
Variant type: single nucleotide variant.
Coding change: c.1672A>T on transcript NM_001429.4 (MANE Select); coding-DNA position 1672, A replaced by T.
Protein change: p.Thr558Ser; replaces threonine 558 with serine.
Molecular consequence: missense variant.
Genome position (GRCh38, 1-based): chr22:41,137,702, A>T. VCF-style: chr22-41137702-A-T. GRCh37 (hg19) VCF-style: chr22-41533706-A-T.
Other names: c.1672A>T, p.Thr558Ser (NM_001362843.2); short protein forms T558S.
Identifiers: ClinVar variation 1351503 (VCV001351503.8), dbSNP rs1057519397, ClinGen allele CA411687137.
Genomic context (GRCh38, chr22:41,137,702, plus strand): 5'-CCTTTTTGAAGCCCAATGATGAGTGAAAATGCCAGTGTGCCCTCCCTGGGTCCTATGCCA[A>T]CAGCAGCTCAACCATCCACTACTGGAATTCGGAAACAGTGGCACGAAGATATTACTCAGG-3'
Protein context (NP_001420.2, residues 548-568): ASVPSLGPMP[Thr558Ser]AAQPSTTGIR